The following is an entry in ClinVar:

NM_002633.3(PGM1):c.28C>T (p.Gln10Ter)

Genes: PGM1 (phosphoglucomutase 1; plus strand), LOC129930668 (ATAC-STARR-seq lymphoblastoid active region 1127; plus strand). Cytogenetic location: 1p31.3.
Variant type: single nucleotide variant.
Coding change: c.28C>T on transcript NM_002633.3 (MANE Select); coding-DNA position 28, C replaced by T.
Protein change: p.Gln10Ter; replaces glutamine 10 with a stop codon.
Molecular consequence: nonsense.
Genome position (GRCh38, 1-based): chr1:63,593,516, C>T. VCF-style: chr1-63593516-C-T. GRCh37 (hg19) VCF-style: chr1-64059187-C-T.
Other names: short protein forms Q10*.
Identifiers: ClinVar variation 3719549 (VCV003719549.2).

ClinVar aggregate classification (germline): Pathogenic (1 of 4 stars; one submission).

Conditions:
PGM1-congenital disorder of glycosylation. Also called: PGM1 DEFICIENCY; GLYCOGEN STORAGE DISEASE XIV; GSD XIV; CDG It; PHOSPHOGLUCOMUTASE 1 DEFICIENCY; Congenital disorder of glycosylation type 1t. Identifiers: Orphanet 319646, MedGen C2752015, MONDO:0013968, OMIM 614921.

gnomAD v4.1: 11 of 1,613,754 alleles (0.00068%); highest among the groups gnomAD compares: Admixed American, 0.0017%; no homozygotes.

Submission:

Labcorp Genetics (formerly Invitae), Labcorp
Classification: Pathogenic for PGM1-congenital disorder of glycosylation. Last evaluated: 2024-02-17. Review status: criteria provided, single submitter. Criteria: Invitae Variant Classification Sherloc (09022015). Collection method: clinical testing. Allele origin: germline.
Comment: This sequence change creates a premature translational stop signal (p.Gln10*) in the PGM1 gene. It is expected to result in an absent or disrupted protein product. Loss-of-function variants in PGM1 are known to be pathogenic (PMID: 22492991). This variant is present in population databases (rs773189460, gnomAD 0.0009%). This variant has not been reported in the literature in individuals affected with PGM1-related conditions. For these reasons, this variant has been classified as Pathogenic.

Literature cited by the submitters: PubMed 22492991.